The following is an entry in ClinVar:

NM_015001.3(SPEN):c.9308C>T (p.Pro3103Leu)

Gene: SPEN (spen family transcriptional repressor; plus strand). Cytogenetic location: 1p36.13.
Variant type: single nucleotide variant.
Coding change: c.9308C>T on transcript NM_015001.3 (MANE Select); coding-DNA position 9308, C replaced by T.
Protein change: p.Pro3103Leu; replaces proline 3103 with leucine.
Molecular consequence: missense variant.
Genome position (GRCh38, 1-based): chr1:15,935,548, C>T. VCF-style: chr1-15935548-C-T. GRCh37 (hg19) VCF-style: chr1-16262043-C-T.
Other names: short protein forms P3103L.
Identifiers: ClinVar variation 4527842 (VCV004527842.1).

ClinVar aggregate classification (germline): Uncertain significance (1 of 4 stars; one submission).

Submission:

GeneDx
Classification: Uncertain significance. Last evaluated: 2025-04-30. Review status: criteria provided, single submitter. Criteria: GeneDx Variant Classification Process June 2021. Collection method: clinical testing. Allele origin: germline. Affected: yes.
Comment: Not observed at significant frequency in large population cohorts (gnomAD); In silico analysis supports that this missense variant has a deleterious effect on protein structure/function; Has not been previously published as pathogenic or benign to our knowledge